The following is an entry in ClinVar:

ClinVar aggregate classification (germline): Likely benign (1 of 4 stars; one submission).

Submission:

CeGaT Center for Human Genetics Tuebingen
Classification: Likely benign. Last evaluated: 2025-08-01. Review status: criteria provided, single submitter. Criteria: CeGaT Center For Human Genetics Tuebingen Variant Classification Criteria Version 2. Collection method: clinical testing. Allele origin: germline. Affected: yes. Observed: 1 variant allele.
Comment: APC: PM2:Supporting, BP4, BP7

NM_000038.6(APC):c.7440A>G (p.Gln2480=)

Gene: APC (APC regulator of Wnt signaling pathway; plus strand). Cytogenetic location: 5q22.2.
Variant type: single nucleotide variant.
Coding change: c.7440A>G on transcript NM_000038.6 (MANE Select); coding-DNA position 7440, A replaced by G.
Protein change: p.Gln2480=; no amino-acid change (glutamine 2480 retained).
Molecular consequence: synonymous variant. On other transcripts: non-coding transcript variant (2).
Genome position (GRCh38, 1-based): chr5:112,843,034, A>G. VCF-style: chr5-112843034-A-G. GRCh37 (hg19) VCF-style: chr5-112178731-A-G.
Other names: c.7440A>G, p.Gln2480= (NM_001127510.3, NM_001354895.2, NM_001407450.1); c.7386A>G, p.Gln2462= (NM_001127511.3); c.7494A>G, p.Gln2498= (NM_001354896.2, NM_001407447.1, NM_001407448.1 and 1 more transcripts); c.7470A>G, p.Gln2490= (NM_001354897.2); c.7365A>G, p.Gln2455= (NM_001354898.2); c.7356A>G, p.Gln2452= (NM_001354899.2); c.7317A>G, p.Gln2439= (NM_001354900.2); c.7263A>G, p.Gln2421= (NM_001354901.2, NM_001407453.1); and 11 more.
Identifiers: ClinVar variation 4083942 (VCV004083942.8).